The following is an entry in ClinVar:

ClinVar aggregate classification (germline): Uncertain significance (1 of 4 stars; one submission).

gnomAD v4.1: 3 of 1,569,282 alleles (0.00019%); highest among the groups gnomAD compares: Non-Finnish European, 0.00017%; no homozygotes.

Submission:

Women's Health and Genetics/Laboratory Corporation of America, LabCorp
Classification: Uncertain significance. Last evaluated: 2026-04-06. Review status: criteria provided, single submitter. Criteria: LabCorp Variant Classification Summary - May 2015. Collection method: clinical testing. Allele origin: germline.
Comment: Variant summary: MYH14 c.334G>C (p.Glu112Gln) results in a conservative amino acid change in the encoded protein sequence. Algorithms developed to predict the effect of missense changes on protein structure and function are either unavailable or do not agree on the potential impact of this missense change. The variant was absent in 173078 control chromosomes. The available data on variant occurrences in the general population are insufficient to allow any conclusion about variant significance. To our knowledge, no occurrence of c.334G>C in individuals affected with MYH14-related conditions and no experimental evidence demonstrating its impact on protein function have been reported. No submitters have cited clinical-significance assessments for this variant to ClinVar. Based on the evidence outlined above, the variant was classified as uncertain significance.

NM_001145809.2(MYH14):c.334G>C (p.Glu112Gln)

Gene: MYH14 (myosin heavy chain 14; plus strand). Cytogenetic location: 19q13.33.
Variant type: single nucleotide variant.
Coding change: c.334G>C on transcript NM_001145809.2 (MANE Select); coding-DNA position 334, G replaced by C.
Protein change: p.Glu112Gln; replaces glutamic acid 112 with glutamine.
Molecular consequence: missense variant.
Genome position (GRCh38, 1-based): chr19:50,210,699, G>C. VCF-style: chr19-50210699-G-C. GRCh37 (hg19) VCF-style: chr19-50713956-G-C.
Other names: c.334G>C, p.Glu112Gln (NM_024729.4, NM_001077186.2); short protein forms E112Q.
Identifiers: ClinVar variation 4848881 (VCV004848881.1).